The following is an entry in ClinVar:

ClinVar aggregate classification (germline): Pathogenic. Review status: criteria provided, single submitter (1 of 4 stars). 2 submissions from 2 submitters: Pathogenic (1). 1 of the submissions does not count toward it. Last evaluated 2024-12-18.

Conditions:
Severe early-childhood-onset retinal dystrophy (STGD1). Also called: Stargardt macular dystrophy; Juvenile onset macular degeneration; Stargardt disease 1; MACULAR DYSTROPHY WITH FLECKS, TYPE 1; STGD. Identifiers: Orphanet 364055, Orphanet 827, MedGen C1855465, MeSH D000080362, MONDO:0009549, OMIM 248200.

Submissions (2):

Labcorp Genetics (formerly Invitae), Labcorp
Classification: Pathogenic. Last evaluated: 2024-12-18. Review status: criteria provided, single submitter. Criteria: Invitae Variant Classification Sherloc (09022015). Collection method: clinical testing. Allele origin: germline.
Comment: This sequence change creates a premature translational stop signal (p.Val1857Leufs*6) in the ABCA4 gene. It is expected to result in an absent or disrupted protein product. Loss-of-function variants in ABCA4 are known to be pathogenic (PMID: 10958761, 24938718, 25312043, 26780318). This variant is not present in population databases (gnomAD no frequency). This variant has not been reported in the literature in individuals affected with ABCA4-related conditions. Algorithms developed to predict the effect of sequence changes on RNA splicing suggest that this variant may disrupt the consensus splice site. For these reasons, this variant has been classified as Pathogenic.

Department of Medical Genetics, Erciyes University Faculty of Medicine
Classification: Likely pathogenic for Severe early-childhood-onset retinal dystrophy. Last evaluated: 2024-02-01. Review status: no assertion criteria provided. Collection method: clinical testing. Allele origin: germline. Affected: yes. Not counted in ClinVar's aggregate classification.

Literature cited by the submitters: PubMed 10958761 (cited by Labcorp Genetics (formerly Invitae), Labcorp); PubMed 24938718 (cited by Labcorp Genetics (formerly Invitae), Labcorp); PubMed 25312043 (cited by Labcorp Genetics (formerly Invitae), Labcorp); PubMed 26780318 (cited by Labcorp Genetics (formerly Invitae), Labcorp).

NM_000350.3(ABCA4):c.5569_5570del (p.Val1857fs)

Gene: ABCA4 (ATP binding cassette subfamily A member 4; minus strand). Cytogenetic location: 1p22.1.
Variant type: Deletion.
Coding change: c.5569_5570del on transcript NM_000350.3 (MANE Select); coding-DNA positions 5569 to 5570, 2 bases deleted (GT; older notation c.5569_5570delGT).
Protein change: p.Val1857fs; shifts the reading frame from valine 1857.
Molecular consequence: frameshift variant.
Genome position (GRCh38, 1-based): chr1:94,011,276-94,011,277, AC deleted on the plus strand (GT on the coding strand, the reverse complement: ABCA4 is on the minus strand); deleting any 2 consecutive bases within chr1:94,011,276-94,011,278 gives the same sequence; the c. name uses the placement nearest the transcript's 3' end. VCF-style (leftmost placement, unchanged base first): chr1-94011275-GAC-G. GRCh37 (hg19) VCF-style: chr1-94476831-GAC-G.
Other names: c.5346_5347delTG, p.Val1783Leufs (NM_001425324.1); short protein forms V1857fs.
Identifiers: ClinVar variation 2920610 (VCV002920610.3).
Genomic context (GRCh38, chr1:94,011,275, plus strand): 5'-GCTTTGGACCCAGGGCCCATGCTCCATGGGCCTCGGCTACCACCCACCAAACCGGGCATA[GAC>G]ATCTGTCACAGCCTGGCTCAGTGCAAGGTCAATGAGGCCCCGGCCCAGGCAGAAGTGGGG-3'